The following is an entry in ClinVar:

NM_000051.4(ATM):c.3480G>T (p.Val1160=)

Gene: ATM (ATM serine/threonine kinase; plus strand). Cytogenetic location: 11q22.3.
Variant type: single nucleotide variant.
Coding change: c.3480G>T on transcript NM_000051.4 (MANE Select); coding-DNA position 3480, G replaced by T.
Protein change: p.Val1160=; no amino-acid change (valine 1160 retained).
Molecular consequence: synonymous variant.
Genome position (GRCh38, 1-based): chr11:108,281,072, G>T. VCF-style: chr11-108281072-G-T. GRCh37 (hg19) VCF-style: chr11-108151799-G-T.
Other names: c.3480G>T, p.Val1160= (NM_001351834.2).
Identifiers: ClinVar variation 381113 (VCV000381113.12), dbSNP rs1001303564, ClinGen allele CA16606807.

ClinVar aggregate classification (germline): Conflicting classifications of pathogenicity. Review status: criteria provided, conflicting classifications (1 of 4 stars). 4 submissions from 4 submitters: Uncertain significance (1); Benign (1); Likely benign (2). Last evaluated 2025-05-01.

Conditions:
Hereditary cancer-predisposing syndrome. Also called: Hereditary neoplastic syndrome; Tumor predisposition; Neoplastic Syndromes, Hereditary; Hereditary Cancer Syndrome. Identifiers: Orphanet 140162, MedGen C0027672, MeSH D009386, MONDO:0015356.
Ataxia-telangiectasia syndrome (AT). Also called: LOUIS-BAR SYNDROME; ATAXIA-TELANGIECTASIA, COMPLEMENTATION GROUP A; ATAXIA-TELANGIECTASIA, FRESNO VARIANT; Ataxia-telangiectasia; Ataxia telangiectasia (A-T); Cerebello-oculocutaneous telangiectasia. Identifiers: Orphanet 100, MedGen C0004135, MONDO:0008840, OMIM 208900.
Familial cancer of breast. Also called: Hereditary breast cancer; BREAST CANCER, FAMILIAL; hereditary breast carcinoma. Identifiers: Orphanet 227535, MedGen C0346153, MONDO:0016419, OMIM 114480. Disease mechanism: loss of function.

Allele frequency attached by ClinVar (database versions not stated): TOPMed 0.00001.

Submissions (4):

Labcorp Genetics (formerly Invitae), Labcorp
Classification: Likely benign for Ataxia-telangiectasia syndrome. Last evaluated: 2025-05-01. Review status: criteria provided, single submitter. Criteria: Invitae Variant Classification Sherloc (09022015). Collection method: clinical testing. Allele origin: germline.

Ambry Genetics
Classification: Uncertain significance for Hereditary cancer-predisposing syndrome. Last evaluated: 2025-02-07. Review status: criteria provided, single submitter. Criteria: Ambry Variant Classification Scheme 2023. Collection method: clinical testing. Allele origin: germline.
Comment: The c.3480G>T variant (also known as p.V1160V), located in coding exon 23 of the ATM gene, results from a G to T substitution at nucleotide position 3480. This nucleotide substitution does not change the amino acid at codon 1160. This nucleotide position is not well conserved in available vertebrate species. In silico splice site analysis for this alteration is inconclusive. RNA studies have demonstrated that this alteration results in an incomplete splice defect; the clinical impact of this abnormal splicing is unknown at this time (Ambry internal data). Based on the available evidence, the clinical significance of this variant remains unclear.

Myriad Genetics, Inc.
Classification: Benign for Familial cancer of breast. Last evaluated: 2024-05-14. Review status: criteria provided, single submitter. Criteria: Myriad Autosomal Dominant, Autosomal Recessive and X-Linked Classification Criteria (2023). Collection method: clinical testing. Allele origin: unknown.
Comment: This variant is considered benign. This variant is a silent/synonymous amino acid change and it is not expected to impact splicing.

GeneDx
Classification: Likely benign. Last evaluated: 2015-10-21. Review status: criteria provided, single submitter. Criteria: GeneDx Variant Classification (06012015). Collection method: clinical testing. Allele origin: germline. Affected: yes.
Comment: This variant is considered likely benign or benign based on one or more of the following criteria: it is a conservative change, it occurs at a poorly conserved position in the protein, it is predicted to be benign by multiple in silico algorithms, and/or has population frequency not consistent with disease.